The following is an entry in ClinVar:

ClinVar aggregate classification (germline): Uncertain significance. Review status: criteria provided, multiple submitters, no conflicts (2 of 4 stars). 2 submissions from 2 submitters: Uncertain significance (2). Last evaluated 2025-04-08.

Conditions:
Hereditary cancer-predisposing syndrome. Also called: Neoplastic Syndromes, Hereditary; Tumor predisposition; Hereditary neoplastic syndrome; Hereditary Cancer Syndrome. Identifiers: Orphanet 140162, MedGen C0027672, MeSH D009386, MONDO:0015356.
Hereditary breast ovarian cancer syndrome. Also called: Hereditary breast and ovarian cancer syndrome; Hereditary breast and ovarian cancer; Hereditary breast and ovarian cancer syndrome (HBOC); Breast and ovarian cancer; Hereditary breast and/or ovarian cancer syndrome; BRCA1- and BRCA2-Associated Hereditary Breast and Ovarian Cancer. Identifiers: Orphanet 145, MedGen C0677776, MeSH D061325, MONDO:0003582. Disease mechanism: loss of function.

Submissions (2):

Labcorp Genetics (formerly Invitae), Labcorp
Classification: Uncertain significance for Hereditary breast ovarian cancer syndrome. Last evaluated: 2025-04-08. Review status: criteria provided, single submitter. Criteria: Invitae Variant Classification Sherloc (09022015). Collection method: clinical testing. Allele origin: germline.
Comment: This sequence change replaces isoleucine, which is neutral and non-polar, with threonine, which is neutral and polar, at codon 2454 of the BRCA2 protein (p.Ile2454Thr). This variant is not present in population databases (gnomAD no frequency). This variant has not been reported in the literature in individuals affected with BRCA2-related conditions. ClinVar contains an entry for this variant (Variation ID: 826989). Invitae Evidence Modeling of protein sequence and biophysical properties (such as structural, functional, and spatial information, amino acid conservation, physicochemical variation, residue mobility, and thermodynamic stability) indicates that this missense variant is not expected to disrupt BRCA2 protein function with a negative predictive value of 95%. In summary, the available evidence is currently insufficient to determine the role of this variant in disease. Therefore, it has been classified as a Variant of Uncertain Significance.

Ambry Genetics
Classification: Uncertain significance for Hereditary cancer-predisposing syndrome. Last evaluated: 2023-10-05. Review status: criteria provided, single submitter. Criteria: Ambry Variant Classification Scheme 2023. Collection method: clinical testing. Allele origin: germline.
Comment: The p.I2454T variant (also known as c.7361T>C), located in coding exon 13 of the BRCA2 gene, results from a T to C substitution at nucleotide position 7361. The isoleucine at codon 2454 is replaced by threonine, an amino acid with similar properties. This amino acid position is not well conserved in available vertebrate species. In addition, this alteration is predicted to be tolerated by in silico analysis. Since supporting evidence is limited at this time, the clinical significance of this alteration remains unclear.

NM_000059.4(BRCA2):c.7361T>C (p.Ile2454Thr)

Gene: BRCA2 (BRCA2 DNA repair associated; plus strand). Cytogenetic location: 13q13.1.
Variant type: single nucleotide variant.
Coding change: c.7361T>C on transcript NM_000059.4 (MANE Select); coding-DNA position 7361, T replaced by C.
Protein change: p.Ile2454Thr; replaces isoleucine 2454 with threonine.
Molecular consequence: missense variant.
Genome position (GRCh38, 1-based): chr13:32,355,214, T>C. VCF-style: chr13-32355214-T-C. GRCh37 (hg19) VCF-style: chr13-32929351-T-C.
Other names: short protein forms I2454T.
Identifiers: ClinVar variation 826989 (VCV000826989.9), dbSNP rs755853659, ClinGen allele CA387741447.